The following is an entry in ClinVar:

ClinVar aggregate classification (germline): Uncertain significance. Review status: criteria provided, multiple submitters, no conflicts (2 of 4 stars). 2 submissions from 2 submitters: Uncertain significance (2). Last evaluated 2025-10-06.

Conditions:
Hyperkalemic periodic paralysis. Also called: Familial hyperkalemic periodic paralysis; Gamstorp disease. Identifiers: Orphanet 682, MedGen C0238357, MONDO:0008224, OMIM 170500, HP:0007215.

Allele frequency attached by ClinVar (database versions not stated): gnomAD exomes below 0.00001; gnomAD 0.00001; TOPMed 0.00002.
gnomAD v4.1: 7 of 1,613,800 alleles (0.00043%); highest among the groups gnomAD compares: South Asian, 0.0022%; no homozygotes.

Submissions (2):

Labcorp Genetics (formerly Invitae), Labcorp
Classification: Uncertain significance for Hyperkalemic periodic paralysis. Last evaluated: 2025-10-06. Review status: criteria provided, single submitter. Criteria: Invitae Variant Classification Sherloc (09022015). Collection method: clinical testing. Allele origin: germline.
Comment: This sequence change replaces glutamic acid, which is acidic and polar, with lysine, which is basic and polar, at codon 1797 of the SCN4A protein (p.Glu1797Lys). This variant is not present in population databases (gnomAD no frequency). This variant has not been reported in the literature in individuals affected with SCN4A-related conditions. ClinVar contains an entry for this variant (Variation ID: 1461171). Invitae Evidence Modeling of protein sequence and biophysical properties (such as structural, functional, and spatial information, amino acid conservation, physicochemical variation, residue mobility, and thermodynamic stability) indicates that this missense variant is not expected to disrupt SCN4A protein function with a negative predictive value of 95%. In summary, the available evidence is currently insufficient to determine the role of this variant in disease. Therefore, it has been classified as a Variant of Uncertain Significance.

Revvity Omics, Revvity
Classification: Uncertain significance. Last evaluated: 2020-12-22. Review status: criteria provided, single submitter. Criteria: ACMG Guidelines, 2015. Collection method: clinical testing. Allele origin: germline.

NM_000334.4(SCN4A):c.5389G>A (p.Glu1797Lys)

Genes: GH-LCR (growth hormone locus control region; plus strand), SCN4A (sodium voltage-gated channel alpha subunit 4; minus strand). Cytogenetic location: 17q23.3.
Variant type: single nucleotide variant.
Coding change: c.5389G>A on transcript NM_000334.4 (MANE Select); coding-DNA position 5389, G replaced by A.
Protein change: p.Glu1797Lys; replaces glutamic acid 1797 with lysine.
Molecular consequence: missense variant.
Genome position (GRCh38, 1-based): chr17:63,940,893, C>T on the plus strand (G>A on the coding strand, the complement: SCN4A is on the minus strand). VCF-style: chr17-63940893-C-T. GRCh37 (hg19) VCF-style: chr17-62018253-C-T.
Other names: short protein forms E1797K.
Identifiers: ClinVar variation 1461171 (VCV001461171.11), dbSNP rs1398520652, ClinGen allele CA400610454.
Genomic context (GRCh38, chr17:63,940,893, plus strand): 5'-AGGCAGTGTCTGAGGGGCTGATGGGCATCAGCCCCATAGTGGGTCCGGCGTCCCCTGCCT[C>T]GCCCTTCTCCTCCGGGCTTGGCGAGCTGCTGTTCCCATTCTCGTGGCCATACATCTTGCT-3'
Protein context (NP_000325.4, residues 1787-1807): SSSPSPEEKG[Glu1797Lys]AGDAGPTMGL